The following is an entry in ClinVar:

ClinVar aggregate classification (germline): Likely pathogenic (1 of 4 stars; one submission).

Conditions:
Hereditary cancer-predisposing syndrome. Also called: Tumor predisposition; Hereditary Cancer Syndrome; Hereditary neoplastic syndrome; Neoplastic Syndromes, Hereditary. Identifiers: Orphanet 140162, MedGen C0027672, MeSH D009386, MONDO:0015356.

Submission:

Ambry Genetics
Classification: Likely pathogenic for Hereditary cancer-predisposing syndrome. Last evaluated: 2016-02-16. Review status: criteria provided, single submitter. Criteria: Ambry Variant Classification Scheme 2023. Collection method: clinical testing. Allele origin: germline.
Comment: The c.756_756+2delGGTinsTG intronic variant results from a deletion of three nucleotides and an insertion of two nucleotides at the splice junction boundary of coding exon 5 and intron 5. This variant was not reported in population-based cohorts in the following databases: Database of Single Nucleotide Polymorphisms (dbSNP), NHLBI Exome Sequencing Project (ESP) and 1000 Genomes Project. To date, this alteration has been detected with an allele frequency of approximately 0.001% (greater than 120000 alleles tested) in our clinical cohort. This nucleotide region is highly conserved in available vertebrate species. Using the BDGP and ESEfinder splice site prediction tools, this alteration is predicted to abolish the native splice donor site; however, direct evidence is unavailable. Alterations that disrupt the canonical splice donor site are typically deleterious in nature (ACMG Recommendations for Standards for Interpretation and Reporting of Sequence Variations. Revision 2007. Genet Med. 2008;10:294). As such, the c.756_756+2delGGTinsTG variant is classified as likely pathogenic.

NM_005732.4(RAD50):c.756_756+2delinsTG

Gene: RAD50 (RAD50 double strand break repair protein; plus strand). Cytogenetic location: 5q31.1.
Variant type: Indel.
Coding change: c.756_756+2delinsTG on transcript NM_005732.4 (MANE Select); coding-DNA position 756 through the canonical splice donor site of the intron after coding-DNA position 756, GGT replaced by TG.
Molecular consequence: splice donor variant.
Genome position (GRCh38, 1-based): chr5:132,580,066-132,580,068, GGT replaced by TG. VCF-style: chr5-132580066-GGT-TG. GRCh37 (hg19) VCF-style: chr5-131915758-GGT-TG.
Identifiers: ClinVar variation 486242 (VCV000486242.5), dbSNP rs1554097840, ClinGen allele CA658657500.